The following is an entry in ClinVar:

NM_005876.5(SPEG):c.5746G>C (p.Gly1916Arg)

Genes: ASIC4-AS1 (ASIC4 antisense RNA 1; minus strand), SPEG (striated muscle enriched protein kinase; plus strand). Cytogenetic location: 2q35.
Variant type: single nucleotide variant.
Coding change: c.5746G>C on transcript NM_005876.5 (MANE Select); coding-DNA position 5746, G replaced by C.
Protein change: p.Gly1916Arg; replaces glycine 1916 with arginine.
Molecular consequence: missense variant.
Genome position (GRCh38, 1-based): chr2:219,483,209, G>C. VCF-style: chr2-219483209-G-C. GRCh37 (hg19) VCF-style: chr2-220347931-G-C.
Other names: short protein forms G1916R.
Identifiers: ClinVar variation 2126473 (VCV002126473.4), dbSNP rs746732641, ClinGen allele CA2126945.

ClinVar aggregate classification (germline): Uncertain significance (1 of 4 stars; one submission).

gnomAD v4.1: 11 of 1,609,898 alleles (0.00068%); highest among the groups gnomAD compares: Non-Finnish European, 0.00093%; no homozygotes.

Submission:

Labcorp Genetics (formerly Invitae), Labcorp
Classification: Uncertain significance. Last evaluated: 2022-04-15. Review status: criteria provided, single submitter. Criteria: Invitae Variant Classification Sherloc (09022015). Collection method: clinical testing. Allele origin: germline.
Comment: This variant has not been reported in the literature in individuals affected with SPEG-related conditions. In summary, the available evidence is currently insufficient to determine the role of this variant in disease. Therefore, it has been classified as a Variant of Uncertain Significance. Algorithms developed to predict the effect of missense changes on protein structure and function are either unavailable or do not agree on the potential impact of this missense change (SIFT: "Deleterious"; PolyPhen-2: "Probably Damaging"; Align-GVGD: "Class C0"). This variant is present in population databases (rs746732641, gnomAD 0.004%). This sequence change replaces glycine, which is neutral and non-polar, with arginine, which is basic and polar, at codon 1916 of the SPEG protein (p.Gly1916Arg).